The following is an entry in ClinVar:

ClinVar aggregate classification (germline): Likely benign (1 of 4 stars; one submission).

Submission:

CeGaT Center for Human Genetics Tuebingen
Classification: Likely benign. Last evaluated: 2026-07-01. Review status: criteria provided, single submitter. Criteria: CeGaT Center For Human Genetics Tuebingen Variant Classification Criteria Version 2. Collection method: clinical testing. Allele origin: germline. Affected: yes. Observed: 2 variant alleles.
Comment: SAMD1: BS2

NM_138352.3(SAMD1):c.1005TGAAGA[2] (p.335DE[2])

Gene: SAMD1 (sterile alpha motif domain containing 1; minus strand). Cytogenetic location: 19p13.12.
Variant type: Microsatellite.
Coding change: c.1005TGAAGA[2] on transcript NM_138352.3 (MANE Select); two copies in a row of the 6-base unit TGAAGA starting at c.1005; the reference has three copies in a row; one copy, 6 bases deleted.
Protein change: p.335DE[2].
Molecular consequence: inframe deletion.
Genome position (GRCh38, 1-based): chr19:14,089,295-14,089,300, TCTTCA deleted on the plus strand (TGAAGA on the coding strand, the reverse complement: SAMD1 is on the minus strand); deleting any 6 consecutive bases within chr19:14,089,295-14,089,314 gives the same sequence; the position shown is the placement nearest the transcript's 3' end. VCF-style (leftmost placement, unchanged base first): chr19-14089294-TTCTTCA-T. GRCh37 (hg19) VCF-style: chr19-14200106-TTCTTCA-T.
Identifiers: ClinVar variation 4533404 (VCV004533404.6).